The following is an entry in ClinVar:

NM_000540.3(RYR1):c.2984G>A (p.Trp995Ter)

Gene: RYR1 (ryanodine receptor 1; plus strand). Cytogenetic location: 19q13.2.
Variant type: single nucleotide variant.
Coding change: c.2984G>A on transcript NM_000540.3 (MANE Select); coding-DNA position 2984, G replaced by A.
Protein change: p.Trp995Ter; replaces tryptophan 995 with a stop codon.
Molecular consequence: nonsense.
Genome position (GRCh38, 1-based): chr19:38,466,204, G>A. VCF-style: chr19-38466204-G-A. GRCh37 (hg19) VCF-style: chr19-38956844-G-A.
Other names: c.2984G>A, p.Trp995Ter (NM_001042723.2); short protein forms W995*.
Identifiers: ClinVar variation 655606 (VCV000655606.15), dbSNP rs1440262870, ClinGen allele CA405634883.
Genomic context (GRCh38, chr19:38,466,204, plus strand): 5'-GGCTGACGCCGGCGCAGACGACACTGGTGGACCGTCTGGCAGAAAATGGGCACAACGTGT[G>A]GGCCCGAGACCGCGTGGGCCAGGGCTGGAGCTACAGCGCAGTGCAGGACATCCCAGCGCG-3'

ClinVar aggregate classification (germline): Conflicting classifications of pathogenicity. Review status: criteria provided, conflicting classifications (1 of 4 stars). 6 submissions from 6 submitters: Pathogenic (2); Likely pathogenic (2); Uncertain significance (1). 1 of the submissions does not count toward it. Last evaluated 2025-09-04.

Conditions:
Central core myopathy (CMYO1A). Also called: Central core disease; Myopathy, central fibrillar; CONGENITAL MYOPATHY 1A, AUTOSOMAL DOMINANT, WITH SUSCEPTIBILITY TO MALIGNANT HYPERTHERMIA. Identifiers: Orphanet 597, MedGen C5830701, MONDO:0007294, OMIM 117000.
King Denborough syndrome (KDS). Identifiers: MedGen C1840365, MONDO:0020485, OMIM 619542.
Malignant hyperthermia, susceptibility to, 1 (MHS1). Also called: RYR1-Related Malignant Hyperthermia Susceptibility; Anesthesia related hyperthermia; Malignant hyperpyrexia; Fulminating hyperpyrexia; Pharmacogenic myopathy; Malignant hyperthermia suceptibility 1. Identifiers: Orphanet 423, MedGen C2930980, MONDO:0007783, OMIM 145600.
Congenital multicore myopathy with external ophthalmoplegia (CMYO1B). Also called: Minicore myopathy with external ophthalmoplegia; MULTIMINICORE DISEASE WITH EXTERNAL OPHTHALMOPLEGIA; Congenital myopathy 1B, autosomal recessive; Minicore myopathy; MULTICORE MYOPATHY. Identifiers: Orphanet 598, Orphanet 98905, MedGen C1850674, MONDO:0009712, OMIM 255320, HP:0003789.
Congenital myopathy with fiber type disproportion. Also called: Congenital fiber-type disproportion myopathy; Congenital fiber-type disproportion. Identifiers: Orphanet 2020, MedGen C0546264, MONDO:0009711. Inheritance: all.
RYR1-related disorder. Also called: RYR1-related disorders; RYR1-related condition. Identifiers: MedGen CN239331.

Allele frequency attached by ClinVar (database versions not stated): gnomAD exomes below 0.00001 and 0.00001.
gnomAD v4.1: 5 of 1,613,486 alleles (0.00031%); highest among the groups gnomAD compares: Non-Finnish European, 0.00042%; no homozygotes.

Submissions (6):

Color Diagnostics, LLC DBA Color Health
Classification: Uncertain significance for Malignant hyperthermia, susceptibility to, 1. Last evaluated: 2025-09-04. Review status: criteria provided, single submitter. Criteria: ACMG Guidelines, 2015. Collection method: clinical testing. Allele origin: germline.
Comment: This variant changes 1 nucleotide in exon 24 of the RYR1 gene, creating a premature translation stop signal. This variant is expected to result in an absent or non-functional protein product. This variant has not been reported in individuals affected with autosomal dominant malignant hyperthermia in the literature. This variant has been identified in 1/249272 chromosomes in the general population by the Genome Aggregation Database (gnomAD). Loss of RYR1 function due to truncation variants is not an established disease mechanism for autosomal dominant malignant hyperthermia, although it is associated with other phenotype(s) (ClinVar Variation ID: 655606). Due to insufficient evidence, this variant is classified as a Variant of Uncertain Significance for autosomal dominant malignant hyperthermia.

ARUP Laboratories, Molecular Genetics and Genomics, ARUP Laboratories
Classification: Likely pathogenic. Last evaluated: 2023-12-21. Review status: criteria provided, single submitter. Criteria: ARUP Molecular Germline Variant Investigation Process 2024. Collection method: clinical testing. Allele origin: germline.
Comment: The RYR1 c.2984G>A; p.Trp995Ter variant (rs1440262870, ClinVar Variation ID: 655606), is reported in the literature in the compound heterozygous state in an individual with a mild form of myopathy (Garibaldi 2019). This variant is only observed on one allele in the Genome Aggregation Database (v2.1.1), indicating it is not a common polymorphism. This variant induces an early termination codon and is predicted to result in a truncated protein or mRNA subject to nonsense-mediated decay. Based on available information, this variant is considered to be likely pathogenic. References: Garibaldi M et al. 'Dusty core disease' (DuCD): expanding morphological spectrum of RYR1 recessive myopathies. Acta Neuropathol Commun. 2019 Jan 5;7(1):3. PMID: 30611313.

Fulgent Genetics
Classification: Likely pathogenic for Central core myopathy; Malignant hyperthermia, susceptibility to, 1; Congenital myopathy 4A, autosomal dominant; Congenital multicore myopathy with external ophthalmoplegia; King Denborough syndrome. Last evaluated: 2022-01-10. Review status: criteria provided, single submitter. Criteria: ACMG Guidelines, 2015. Collection method: clinical testing. Allele origin: unknown.

Revvity Omics, Revvity
Classification: Pathogenic. Last evaluated: 2021-12-19. Review status: criteria provided, single submitter. Criteria: ACMG Guidelines, 2015. Collection method: clinical testing. Allele origin: germline.

Labcorp Genetics (formerly Invitae), Labcorp
Classification: Pathogenic for RYR1-related disorder. Last evaluated: 2019-07-24. Review status: criteria provided, single submitter. Criteria: Invitae Variant Classification Sherloc (09022015). Collection method: clinical testing. Allele origin: germline.
Comment: This variant is not present in population databases (ExAC no frequency). This variant has been observed in combination with other RYR1 variants in an individual affected with RYR1-related myopathy (PMID: 30611313). Loss-of-function variants in RYR1 are known to be pathogenic (PMID: 20583297, 20839240, 23919265, 28818389). For these reasons, this variant has been classified as Pathogenic. This sequence change creates a premature translational stop signal (p.Trp995*) in the RYR1 gene. It is expected to result in an absent or disrupted protein product.

All of Us Research Program, National Institutes of Health
Classification: Uncertain significance for Malignant hyperthermia, susceptibility to, 1. Last evaluated: 2024-02-05. Review status: flagged submission. Criteria: ACMG Guidelines, 2015. Collection method: clinical testing. Allele origin: germline. Inheritance: Autosomal dominant inheritance. Observed: 2 variant alleles, 2 heterozygotes. Not counted in ClinVar's aggregate classification.
Comment: This variant changes 1 nucleotide in exon 24 of the RYR1 gene, creating a premature translation stop signal. This variant is expected to result in an absent or non-functional protein product. This variant has not been reported in individuals affected with autosomal dominant malignant hyperthermia in the literature. This variant has been identified in 1/249272 chromosomes in the general population by the Genome Aggregation Database (gnomAD). Loss of RYR1 function due to truncation variants is not an established disease mechanism for autosomal dominant malignant hyperthermia, although it is associated with other phenotype(s) (ClinVar Variation ID: 655606). Due to insufficient evidence, this variant is classified as a Variant of Uncertain Significance for autosomal dominant malignant hyperthermia.

This study involves interpretation of variants in research participants for the purpose of population health screening. Participant phenotype was not available at the time of variant classification. Additional details can be found in publication PMID: 35346344, PMCID: PMC8962531
ClinVar note: Reason: Unnecessary conflicting claim for distinct condition when other classifications are more relevant

Literature cited by the submitters: PubMed 30611313 (cited by Labcorp Genetics (formerly Invitae), Labcorp); PubMed 20583297 (cited by Labcorp Genetics (formerly Invitae), Labcorp); PubMed 20839240 (cited by Labcorp Genetics (formerly Invitae), Labcorp); PubMed 23919265 (cited by Labcorp Genetics (formerly Invitae), Labcorp); PubMed 28818389 (cited by Labcorp Genetics (formerly Invitae), Labcorp).